The following is an entry in ClinVar:

ClinVar aggregate classification (germline): Uncertain significance (1 of 4 stars; one submission).

Conditions:
Facioscapulohumeral muscular dystrophy 2 (FSHD2). Also called: FACIOSCAPULOHUMERAL MUSCULAR DYSTROPHY 2, DIGENIC; FSHD2, DIGENIC; MUSCULAR DYSTROPHY, FACIOSCAPULOHUMERAL, TYPE 1B. Identifiers: Orphanet 269, MedGen C1834671, MONDO:0008031, OMIM 158901.

Submission:

Labcorp Genetics (formerly Invitae), Labcorp
Classification: Uncertain significance for Facioscapulohumeral muscular dystrophy 2. Last evaluated: 2025-04-15. Review status: criteria provided, single submitter. Criteria: Invitae Variant Classification Sherloc (09022015). Collection method: clinical testing. Allele origin: germline.
Comment: This sequence change replaces glutamine, which is neutral and polar, with histidine, which is basic and polar, at codon 62 of the SMCHD1 protein (p.Gln62His). This variant also falls at the last nucleotide of exon 1, which is part of the consensus splice site for this exon. This variant is not present in population databases (gnomAD no frequency). This variant has not been reported in the literature in individuals affected with SMCHD1-related conditions. An algorithm developed to predict the effect of missense changes on protein structure and function (PolyPhen-2) suggests that this variant is likely to be tolerated. Variants that disrupt the consensus splice site are a relatively common cause of aberrant splicing (PMID: 17576681, 9536098). Algorithms developed to predict the effect of sequence changes on RNA splicing suggest that this variant may disrupt the consensus splice site. In summary, the available evidence is currently insufficient to determine the role of this variant in disease. Therefore, it has been classified as a Variant of Uncertain Significance.

Literature cited by the submitters: PubMed 17576681; PubMed 9536098.

NM_015295.3(SMCHD1):c.186G>C (p.Gln62His)

Genes: SMCHD1 (structural maintenance of chromosomes flexible hinge domain containing 1; plus strand), LOC130062084 (ATAC-STARR-seq lymphoblastoid silent region 9247; plus strand). Cytogenetic location: 18p11.32.
Variant type: single nucleotide variant.
Coding change: c.186G>C on transcript NM_015295.3 (MANE Select); coding-DNA position 186, G replaced by C.
Protein change: p.Gln62His; replaces glutamine 62 with histidine.
Molecular consequence: missense variant.
Genome position (GRCh38, 1-based): chr18:2,656,261, G>C. VCF-style: chr18-2656261-G-C. GRCh37 (hg19) VCF-style: chr18-2656260-G-C.
Other names: short protein forms Q62H.
Identifiers: ClinVar variation 4717504 (VCV004717504.1).